The following is an entry in ClinVar:

NM_000455.5(STK11):c.500T>C (p.Leu167Pro)

Gene: STK11 (serine/threonine kinase 11; plus strand). Cytogenetic location: 19p13.3.
Variant type: single nucleotide variant.
Coding change: c.500T>C on transcript NM_000455.5 (MANE Select); coding-DNA position 500, T replaced by C.
Protein change: p.Leu167Pro; replaces leucine 167 with proline.
Molecular consequence: missense variant. On other transcripts: non-coding transcript variant (1).
Genome position (GRCh38, 1-based): chr19:1,220,408, T>C. VCF-style: chr19-1220408-T-C. GRCh37 (hg19) VCF-style: chr19-1220407-T-C.
Other names: c.500T>C, p.Leu167Pro (NM_001407255.1); short protein forms L167P.
Identifiers: ClinVar variation 3340461 (VCV003340461.2).

ClinVar aggregate classification (germline): Conflicting classifications of pathogenicity. Review status: criteria provided, conflicting classifications (1 of 4 stars). 2 submissions from 2 submitters: Likely pathogenic (1); Uncertain significance (1). Last evaluated 2024-09-18.

Conditions:
Peutz-Jeghers syndrome (PJS). Also called: POLYPOSIS, HAMARTOMATOUS INTESTINAL; POLYPS-AND-SPOTS SYNDROME; Peutz-Jeghers polyposis; Periorificial lentiginosis syndrome. Identifiers: Orphanet 2869, MedGen C0031269, MeSH D010580, MONDO:0008280, OMIM 175200.

Submissions (2):

Clinical Genetics Laboratory, Skane University Hospital Lund
Classification: Likely pathogenic for Peutz-Jeghers syndrome. Last evaluated: 2024-09-18. Review status: criteria provided, single submitter. Criteria: ACMG Guidelines, 2015. Collection method: clinical testing. Allele origin: germline. Affected: yes.
Comment: ACMG criteria used: PM2, PM6, PP3_Moderate

3billion
Classification: Uncertain significance for Peutz-Jeghers syndrome. Last evaluated: 2023-08-10. Review status: criteria provided, single submitter. Criteria: ACMG Guidelines, 2015. Collection method: clinical testing. Allele origin: germline. Affected: yes.
Comment: The variant is not observed in the gnomAD v2.1.1 dataset. Predicted Consequence/Location: Missense variant In silico tool predictions suggest damaging effect of the variant on gene or gene product [REVEL: 0.96 (>=0.6, sensitivity 0.68 and specificity 0.92); 3Cnet: 0.97 (>=0.6, sensitivity 0.72 and precision 0.9)]. Same nucleotide change resulting in same amino acid change has been previously reported to be associated with STK11 related disorder (PMID: 23399955).A different missense change at the same codon (p.Leu167Arg) has been reported to be associated with STK11 related disorder (PMID: 16287113). However the evidence of pathogenicity is insufficient at this time. Therefore, this variant is classified as VUS according to the recommendation of ACMG/AMP guideline.

Literature cited by the submitters: PubMed 23399955 (cited by 3billion); PubMed 16287113 (cited by 3billion).